The following is an entry in ClinVar:

NM_015450.3(POT1):c.851A>G (p.Asp284Gly)

Gene: POT1 (protection of telomeres 1; minus strand). Cytogenetic location: 7q31.33.
Variant type: single nucleotide variant.
Coding change: c.851A>G on transcript NM_015450.3 (MANE Select); coding-DNA position 851, A replaced by G.
Protein change: p.Asp284Gly; replaces aspartic acid 284 with glycine.
Molecular consequence: missense variant. On other transcripts: non-coding transcript variant (3).
Genome position (GRCh38, 1-based): chr7:124,852,990, T>C on the plus strand (A>G on the coding strand, the complement: POT1 is on the minus strand). VCF-style: chr7-124852990-T-C. GRCh37 (hg19) VCF-style: chr7-124493044-T-C.
Other names: c.458A>G, p.Asp153Gly (NM_001042594.2); short protein forms D153G, D284G.
Identifiers: ClinVar variation 2861817 (VCV002861817.3), dbSNP rs2485441305, ClinGen allele CA369055221.

ClinVar aggregate classification (germline): Uncertain significance (1 of 4 stars; one submission).

Conditions:
Tumor predisposition syndrome 3 (TPDS3). Also called: LONG TELOMERE SYNDROME, POT1-RELATED; POT1 Tumor Predisposition; Melanoma, cutaneous malignant, susceptibility to, 10; Glioma susceptibility 9. Identifiers: Orphanet 618, MedGen C4014476, MONDO:0014368, OMIM 615848.

Submission:

Labcorp Genetics (formerly Invitae), Labcorp
Classification: Uncertain significance for Tumor predisposition syndrome 3. Last evaluated: 2023-05-02. Review status: criteria provided, single submitter. Criteria: Invitae Variant Classification Sherloc (09022015). Collection method: clinical testing. Allele origin: germline.
Comment: In summary, the available evidence is currently insufficient to determine the role of this variant in disease. Therefore, it has been classified as a Variant of Uncertain Significance. Advanced modeling of protein sequence and biophysical properties (such as structural, functional, and spatial information, amino acid conservation, physicochemical variation, residue mobility, and thermodynamic stability) performed at Invitae indicates that this missense variant is not expected to disrupt POT1 protein function. This variant has not been reported in the literature in individuals affected with POT1-related conditions. This variant is not present in population databases (gnomAD no frequency). This sequence change replaces aspartic acid, which is acidic and polar, with glycine, which is neutral and non-polar, at codon 284 of the POT1 protein (p.Asp284Gly).